The following is an entry in ClinVar:

ClinVar aggregate classification (germline): Uncertain significance (1 of 4 stars; one submission).

Conditions:
Inborn genetic diseases. Identifiers: MedGen C0950123, MeSH D030342.

Submission:

Ambry Genetics
Classification: Uncertain significance for Inborn genetic diseases. Last evaluated: 2026-05-23. Review status: criteria provided, single submitter. Criteria: Ambry Variant Classification Scheme 2023. Collection method: clinical testing. Allele origin: germline.
Comment: The c.2642G>T (p.R881L) alteration is located in exon 26 (coding exon 25) of the DDX11 gene. This alteration results from a G to T substitution at nucleotide position 2642, causing the arginine (R) at amino acid position 881 to be replaced by a leucine (L). Based on data from gnomAD, the T allele has an overall frequency of <0.001% (1/251452) total alleles studied. The highest observed frequency was 0.001% (1/113740) of European (non-Finnish) alleles. Based on insufficient or conflicting evidence, the clinical significance of this alteration remains unclear.

NM_030653.4(DDX11):c.2642G>T (p.Arg881Leu)

Gene: DDX11 (DEAD/H-box helicase 11; plus strand). Cytogenetic location: 12p11.21.
Variant type: single nucleotide variant.
Coding change: c.2642G>T on transcript NM_030653.4 (MANE Select); coding-DNA position 2642, G replaced by T.
Protein change: p.Arg881Leu; replaces arginine 881 with leucine.
Molecular consequence: missense variant. On other transcripts: synonymous variant (6), non-coding transcript variant (4).
Genome position (GRCh38, 1-based): chr12:31,103,682, G>T. VCF-style: chr12-31103682-G-T. GRCh37 (hg19) VCF-style: chr12-31256616-G-T.
Other names: c.2642G>T, p.Arg881Leu (NM_001413693.1, NM_001413694.1, NM_001413692.1); c.2637G>T, p.Pro879= (NM_001413695.1, NM_001413696.1, NM_152438.2 and 1 more transcripts); c.2564G>T, p.Arg855Leu (NM_001413697.1, NM_001413698.1, NM_001257145.2); c.2559G>T, p.Pro853= (NM_001413699.1); c.2555G>T, p.Arg852Leu (NM_001413700.1); c.2114G>T, p.Arg705Leu (NM_001413702.1, NM_001413703.1); c.1776G>T, p.Pro592= (NM_001413704.1); c.1781G>T, p.Arg594Leu (NM_001413705.1); and 2 more; short protein forms R559L, R594L, R705L, R831L, R852L, R855L, R881L.
Identifiers: ClinVar variation 4869603 (VCV004869603.1).
Genomic context (GRCh38, chr12:31,103,682, plus strand): 5'-TGGACCAGCGATATGCCCGGCCCCCTGTCCTGGCCAAGCTGCCGGCCTGGATCCGAGCCC[G>T]TGTGGAGGTCAAAGCTACCTTTGGCCCCGCCATTGCTGCTGTGCAGAAGGTCAGTCCTAC-3'
Protein context (NP_085911.2, residues 871-891): LAKLPAWIRA[Arg881Leu]VEVKATFGPA